The following is an entry in ClinVar:

NM_000535.7(PMS2):c.*92dup

Gene: PMS2 (PMS1 homolog 2, mismatch repair system component; minus strand). Cytogenetic location: 7p22.1.
Variant type: Duplication.
Coding change: c.*92dup on transcript NM_000535.7 (MANE Select); 92 bases downstream of the stop codon, one base duplicated (A; older notation c.*92dupA).
Molecular consequence: 3 prime UTR variant. On other transcripts: non-coding transcript variant (1).
Genome position (GRCh38, 1-based): chr7:5,973,307, T duplicated on the plus strand (A on the coding strand, the reverse complement: PMS2 is on the minus strand); the first of 2 consecutive T bases (chr7:5,973,307-5,973,308); duplicating either gives the same sequence. VCF-style (leftmost placement, unchanged base first): chr7-5973306-G-GT. GRCh37 (hg19) VCF-style: chr7-6012937-G-GT.
Other names: c.*92dup (NM_001322003.2, NM_001322004.2, NM_001322005.2 and 10 more transcripts).
Identifiers: ClinVar variation 91278 (VCV000091278.20), dbSNP rs267608145, ClinGen allele CA331722.

ClinVar aggregate classification (germline): Benign. Review status: reviewed by expert panel (3 of 4 stars). 3 submissions from 3 submitters: Benign (1). 2 of the submissions do not count toward it. Last evaluated 2013-09-05.

Conditions:
Lynch syndrome. Identifiers: Orphanet 144, MedGen C4552100, MONDO:0005835. Disease mechanism: loss of function.

Submissions (3):

International Society for Gastrointestinal Hereditary Tumours (InSiGHT)
Classification: Benign for Lynch Syndrome. Last evaluated: 2013-09-05. Review status: reviewed by expert panel. Criteria: Guidelines v1.9. Collection method: research. Allele origin: germline.
Comment: MAF >1%

Classified with v1.9 guidelines
ClinVar note: Converted during submission from no known pathogenicity to Benign.

ARUP Laboratories, Molecular Genetics and Genomics, ARUP Laboratories
Classification: Benign. Last evaluated: 2025-07-30. Review status: criteria provided, single submitter. Criteria: ARUP Molecular Germline Variant Investigation Process 2024. Collection method: clinical testing. Allele origin: germline. Not counted in ClinVar's aggregate classification.

GeneDx
Classification: Benign. Last evaluated: 2018-12-06. Review status: criteria provided, single submitter. Criteria: GeneDx Variant Classification Process June 2021. Collection method: clinical testing. Allele origin: germline. Affected: yes. Not counted in ClinVar's aggregate classification.